The following is an entry in ClinVar:

ClinVar aggregate classification (germline): Likely pathogenic. Review status: criteria provided, multiple submitters, no conflicts (2 of 4 stars). 2 submissions from 2 submitters: Likely pathogenic (2). Last evaluated 2024-04-26.

Conditions:
COMP-related disorder. Also called: COMP-related disorders; COMP-related condition.

Submissions (2):

Blueprint Genetics
Classification: Likely pathogenic for COMP-related disorders. Last evaluated: 2024-04-26. Review status: criteria provided, single submitter. Criteria: ACMG Guidelines, 2015. Collection method: clinical testing. Allele origin: germline. Affected: yes. Observed: 1 variant allele.

Labcorp Genetics (formerly Invitae), Labcorp
Classification: Likely pathogenic. Last evaluated: 2022-09-27. Review status: criteria provided, single submitter. Criteria: Invitae Variant Classification Sherloc (09022015). Collection method: clinical testing. Allele origin: germline.
Comment: In summary, the currently available evidence indicates that the variant is pathogenic, but additional data are needed to prove that conclusively. Therefore, this variant has been classified as Likely Pathogenic. ClinVar contains an entry for this variant (Variation ID: 1510817). This variant has been observed in individuals with clinical features of multiple epiphyseal dysplasia (PMID: 21922596; Invitae). It has also been observed to segregate with disease in related individuals. This variant is not present in population databases (gnomAD no frequency). This variant, c.1153_1155del, results in the deletion of 1 amino acid(s) of the COMP protein (p.Asp385del), but otherwise preserves the integrity of the reading frame.

Literature cited by the submitters: PubMed 21922596 (cited by Labcorp Genetics (formerly Invitae), Labcorp).

NM_000095.3(COMP):c.1153_1155del (p.Asp385del)

Gene: COMP (cartilage oligomeric matrix protein; minus strand). Cytogenetic location: 19p13.11.
Variant type: Deletion.
Coding change: c.1153_1155del on transcript NM_000095.3 (MANE Select); coding-DNA positions 1153 to 1155, 3 bases deleted (GAC; older notation c.1153_1155delGAC).
Protein change: p.Asp385del; deletes aspartic acid 385.
Molecular consequence: inframe deletion.
Genome position (GRCh38, 1-based): chr19:18,786,631-18,786,633, GTC deleted on the plus strand (GAC on the coding strand, the reverse complement: COMP is on the minus strand); deleting any 3 consecutive bases within chr19:18,786,631-18,786,634 gives the same sequence; the c. name uses the placement nearest the transcript's 3' end. VCF-style (leftmost placement, unchanged base first): chr19-18786630-TGTC-T. GRCh37 (hg19) VCF-style: chr19-18897440-TGTC-T.
Other names: short protein forms D385del.
Identifiers: ClinVar variation 1510817 (VCV001510817.7), dbSNP rs2145901379, ClinGen allele CA2573156201.